The following is an entry in ClinVar:

NM_000088.4(COL1A1):c.4025G>C (p.Gly1342Ala)

Gene: COL1A1 (collagen type I alpha 1 chain; minus strand). Cytogenetic location: 17q21.33.
Variant type: single nucleotide variant.
Coding change: c.4025G>C on transcript NM_000088.4 (MANE Select); coding-DNA position 4025, G replaced by C.
Protein change: p.Gly1342Ala; replaces glycine 1342 with alanine.
Molecular consequence: missense variant.
Genome position (GRCh38, 1-based): chr17:50,186,001, C>G on the plus strand (G>C on the coding strand, the complement: COL1A1 is on the minus strand). VCF-style: chr17-50186001-C-G. GRCh37 (hg19) VCF-style: chr17-48263362-C-G.
Other names: short protein forms G1342A.
Identifiers: ClinVar variation 4800881 (VCV004800881.1).
Genomic context (GRCh38, chr17:50,186,001, plus strand): 5'-GCCTCGGTGGACATCAGGCGCAGGAAGGTCAGCTGGATGGCCACATCGGCAGGGTCGGAG[C>G]CCTGGCCGCCATACTCGAACTGCAGGGGAGGGGAGAGAGGGAAGAGTGAGCCGCTATGCG-3'
Protein context (NP_000079.2, residues 1332-1352): DGFQFEYGGQ[Gly1342Ala]SDPADVAIQL

ClinVar aggregate classification (germline): Uncertain significance (1 of 4 stars; one submission).

Conditions:
Osteogenesis imperfecta type I (OI1). Also called: OI, TYPE I; OSTEOGENESIS IMPERFECTA TARDA; OSTEOGENESIS IMPERFECTA WITH BLUE SCLERAE; Lobstein's Disease; Osteogenesis imperfecta type 1; Classic Non-deforming Osteogenesis Imperfecta with Blue Sclerae. Identifiers: Orphanet 216796, Orphanet 666, MedGen C0023931, MONDO:0008146, OMIM 166200. Disease mechanism: loss of function.

Submission:

Labcorp Genetics (formerly Invitae), Labcorp
Classification: Uncertain significance for Osteogenesis imperfecta type I. Last evaluated: 2025-10-03. Review status: criteria provided, single submitter. Criteria: Invitae Variant Classification Sherloc (09022015). Collection method: clinical testing. Allele origin: germline.
Comment: This sequence change replaces glycine, which is neutral and non-polar, with alanine, which is neutral and non-polar, at codon 1342 of the COL1A1 protein (p.Gly1342Ala). This variant is not present in population databases (gnomAD no frequency). This variant has not been reported in the literature in individuals affected with COL1A1-related conditions. Invitae Evidence Modeling of protein sequence and biophysical properties (such as structural, functional, and spatial information, amino acid conservation, physicochemical variation, residue mobility, and thermodynamic stability) indicates that this missense variant is not expected to disrupt COL1A1 protein function with a negative predictive value of 95%. In summary, the available evidence is currently insufficient to determine the role of this variant in disease. Therefore, it has been classified as a Variant of Uncertain Significance.